The following is an entry in ClinVar:

ClinVar aggregate classification (germline): Uncertain significance (1 of 4 stars; one submission).

Conditions:
Primary ciliary dyskinesia. Also called: Ciliary dyskinesia. Identifiers: Orphanet 244, MedGen C0008780, MONDO:0016575, HP:0012265.

gnomAD v4.1: 27 of 1,613,906 alleles (0.0017%); highest among the groups gnomAD compares: South Asian, 0.022%; no homozygotes.

Submission:

Labcorp Genetics (formerly Invitae), Labcorp
Classification: Uncertain significance for Primary ciliary dyskinesia. Last evaluated: 2025-02-26. Review status: criteria provided, single submitter. Criteria: Invitae Variant Classification Sherloc (09022015). Collection method: clinical testing. Allele origin: germline.
Comment: This sequence change replaces tyrosine, which is neutral and polar, with cysteine, which is neutral and slightly polar, at codon 2480 of the DNAH8 protein (p.Tyr2480Cys). This variant is present in population databases (rs776175035, gnomAD 0.03%). This variant has not been reported in the literature in individuals affected with DNAH8-related conditions. Invitae Evidence Modeling of protein sequence and biophysical properties (such as structural, functional, and spatial information, amino acid conservation, physicochemical variation, residue mobility, and thermodynamic stability) indicates that this missense variant is not expected to disrupt DNAH8 protein function with a negative predictive value of 80%. Algorithms developed to predict the effect of sequence changes on RNA splicing suggest that this variant may create or strengthen a splice site. In summary, the available evidence is currently insufficient to determine the role of this variant in disease. Therefore, it has been classified as a Variant of Uncertain Significance.

NM_001206927.2(DNAH8):c.7439A>G (p.Tyr2480Cys)

Gene: DNAH8 (dynein axonemal heavy chain 8; plus strand). Cytogenetic location: 6p21.2.
Variant type: single nucleotide variant.
Coding change: c.7439A>G on transcript NM_001206927.2 (MANE Select); coding-DNA position 7439, A replaced by G.
Protein change: p.Tyr2480Cys; replaces tyrosine 2480 with cysteine.
Molecular consequence: missense variant.
Genome position (GRCh38, 1-based): chr6:38,873,107, A>G. VCF-style: chr6-38873107-A-G. GRCh37 (hg19) VCF-style: chr6-38840883-A-G.
Other names: c.6788A>G, p.Tyr2263Cys (NM_001371.4); short protein forms Y2263C, Y2480C.
Identifiers: ClinVar variation 4745187 (VCV004745187.1).
Genomic context (GRCh38, chr6:38,873,107, plus strand): 5'-TTGAAGTCCACAATATCGAGAACGCCTCTCCTGCCACGGTTTCTAGGATGGGCATGGTCT[A>G]TATCAGCAGCTCTGCTCTCAGCTGGAGGCCAATCTTACAGGTGGGGCAGAGAGATGGGAA-3'
Protein context (NP_001193856.1, residues 2470-2490): PATVSRMGMV[Tyr2480Cys]ISSSALSWRP